The following is an entry in ClinVar:

ClinVar aggregate classification (germline): Benign/Likely benign. Review status: criteria provided, multiple submitters, no conflicts (2 of 4 stars). 5 submissions from 5 submitters: Benign (3); Likely benign (1). 1 of the submissions does not count toward it. Last evaluated 2026-02-04.

Conditions:
WHRN-related disorder. Also called: WHRN-related condition.

Allele frequency attached by ClinVar (database versions not stated): gnomAD exomes 0.00040 and 0.00070; 1000 Genomes Project 0.00080; ExAC 0.00088; 1000 Genomes Project 30x 0.00125; TOPMed 0.00008; gnomAD 0.00010 and 0.00024.
gnomAD v4.1: 615 of 1,605,834 alleles (0.038%); highest among the groups gnomAD compares: South Asian, 0.54%; 7 homozygotes.

Submissions (5):

Labcorp Genetics (formerly Invitae), Labcorp
Classification: Benign. Last evaluated: 2026-02-04. Review status: criteria provided, single submitter. Criteria: Invitae Variant Classification Sherloc (09022015). Collection method: clinical testing. Allele origin: germline.

CeGaT Center for Human Genetics Tuebingen
Classification: Benign. Last evaluated: 2026-02-01. Review status: criteria provided, single submitter. Criteria: CeGaT Center For Human Genetics Tuebingen Variant Classification Criteria Version 2. Collection method: clinical testing. Allele origin: germline. Affected: yes. Observed: 1 variant allele.
Comment: WHRN: BS1, BS2

Blueprint Genetics
Classification: Likely benign. Last evaluated: 2024-07-31. Review status: criteria provided, single submitter. Criteria: ACMG Guidelines, 2015. Collection method: clinical testing. Allele origin: germline.

Laboratory for Molecular Medicine, Mass General Brigham Personalized Medicine
Classification: Benign. Last evaluated: 2016-04-14. Review status: criteria provided, single submitter. Criteria: LMM Criteria. Collection method: clinical testing. Allele origin: germline. Observed: 2 variant alleles.
Comment: p.Glu137Gln in exon 1 of DFNB31: This variant is not expected to have clinical s ignificance because it has been identified in 0.6% (96/16402) of South Asian chr omosomes by the Exome Aggregation Consortium (ExAC, rg; dbSNP rs41297175).

PreventionGenetics, part of Exact Sciences
Classification: Likely benign for WHRN-related condition. Last evaluated: 2024-07-23. Review status: no assertion criteria provided. Collection method: clinical testing. Allele origin: germline. Not counted in ClinVar's aggregate classification.
Comment: This variant is classified as likely benign based on ACMG/AMP sequence variant interpretation guidelines (Richards et al. 2015 PMID: 25741868, with internal and published modifications).

Literature cited by the submitters: PubMed 22135276 (cited by Laboratory for Molecular Medicine, Mass General Brigham Personalized Medicine); PubMed 25133751 (cited by Laboratory for Molecular Medicine, Mass General Brigham Personalized Medicine).

NM_015404.4(WHRN):c.409G>C (p.Glu137Gln)

Gene: WHRN (whirlin; minus strand). Cytogenetic location: 9q32.
Variant type: single nucleotide variant.
Coding change: c.409G>C on transcript NM_015404.4 (MANE Select); coding-DNA position 409, G replaced by C.
Protein change: p.Glu137Gln; replaces glutamic acid 137 with glutamine.
Molecular consequence: missense variant.
Genome position (GRCh38, 1-based): chr9:114,504,393, C>G on the plus strand (G>C on the coding strand, the complement: WHRN is on the minus strand). VCF-style: chr9-114504393-C-G. GRCh37 (hg19) VCF-style: chr9-117266673-C-G.
Other names: c.409G>C, p.Glu137Gln (NM_001173425.2); short protein forms E137Q.
Identifiers: ClinVar variation 179995 (VCV000179995.21), dbSNP rs41297175, ClinGen allele CA185597.
Genomic context (GRCh38, chr9:114,504,393, plus strand): 5'-GGATGCTGAAGCCCAAGCCCTCGTGGGCCTTGGCACGCCGCAAACTCACCAGGCGCACCT[C>G]CCCTGGCCCCGCGCTGTCGGGGCCGCCCCAGGCGGGCTGCCTGTAGGGGGTGGTGGCGGG-3'
Protein context (NP_056219.3, residues 127-147): WGGPDSAGPG[Glu137Gln]VRLVSLRRAK